The following is an entry in ClinVar:

ClinVar aggregate classification (germline): Benign/Likely benign. Review status: criteria provided, multiple submitters, no conflicts (2 of 4 stars). 9 submissions from 9 submitters: Benign (2); Likely benign (4). 3 of the submissions do not count toward it. Last evaluated 2025-12-23.

Conditions:
Polycystic kidney disease. Also called: Kidney, Polycystic; Polycystic kidney dysplasia. Identifiers: MedGen C0022680, MeSH D007690, MONDO:0020642, HP:0000113.
PKD1-related disorder. Also called: PKD1-related condition.

Allele frequency attached by ClinVar (database versions not stated): ExAC 0.00071; 1000 Genomes Project 30x 0.00078; gnomAD exomes 0.00079 and 0.00110; 1000 Genomes Project 0.00080; gnomAD 0.00080; TOPMed 0.00101; ESP Exome Variant Server 0.00116.
gnomAD v4.1: 1,762 of 1,608,824 alleles (0.11%); highest among the groups gnomAD compares: Admixed American, 0.19%; 2 homozygotes.

Submissions (9):

PreventionGenetics, part of Exact Sciences
Classification: Likely benign for PKD1-related condition. Last evaluated: 2025-12-23. Review status: criteria provided, single submitter. Criteria: ACMG Guidelines, 2015. Collection method: clinical testing. Allele origin: germline.
Comment: This variant is classified as likely benign based on ACMG/AMP sequence variant interpretation guidelines (Richards et al. 2015 PMID: 25741868, with internal and published modifications).

Women's Health and Genetics/Laboratory Corporation of America, LabCorp
Classification: Likely benign. Last evaluated: 2025-04-08. Review status: criteria provided, single submitter. Criteria: LabCorp Variant Classification Summary - May 2015. Collection method: clinical testing. Allele origin: germline.

Blueprint Genetics
Classification: Likely benign. Last evaluated: 2024-11-06. Review status: criteria provided, single submitter. Criteria: ACMG Guidelines, 2015. Collection method: clinical testing. Allele origin: germline.

CeGaT Center for Human Genetics Tuebingen
Classification: Likely benign. Last evaluated: 2024-11-01. Review status: criteria provided, single submitter. Criteria: CeGaT Center For Human Genetics Tuebingen Variant Classification Criteria Version 2. Collection method: clinical testing. Allele origin: germline. Affected: yes. Observed: 2 variant alleles.
Comment: PKD1: BP4, BP7

ARUP Laboratories, Molecular Genetics and Genomics, ARUP Laboratories
Classification: Benign. Last evaluated: 2017-01-29. Review status: criteria provided, single submitter. Criteria: ARUP Molecular Germline Variant Investigation Process. Collection method: clinical testing. Allele origin: germline.

Athena Diagnostics
Classification: Benign. Last evaluated: 2016-10-20. Review status: criteria provided, single submitter. Criteria: Athena Diagnostics Criteria. Collection method: clinical testing. Allele origin: germline.

Clinical Genetics DNA and cytogenetics Diagnostics Lab, Erasmus MC, Erasmus Medical Center
Classification: Likely benign. Review status: no assertion criteria provided. Collection method: clinical testing. Allele origin: germline. Affected: yes. Study: VKGL Data-share Consensus. Not counted in ClinVar's aggregate classification.

Department of Pathology and Laboratory Medicine, Sinai Health System
Classification: Benign for Polycystic Kidney disease. Review status: no assertion criteria provided. Collection method: clinical testing. Allele origin: unknown. Affected: yes. Study: The Canadian Open Genetics Repository (COGR). Not counted in ClinVar's aggregate classification.
Comment: The PKD1 p.Ala2749= variant was identified in 2 of 1044 proband chromosomes (frequency: 0.002) from individuals or families with ADPKD (Carrera 2016, Garcia-Gonzalez 2007). The variant was also identified in dbSNP (ID: rs143265128) as â€šÃ„ÃºNAâ€šÃ„Ã¹, the ADPKD Mutation Database (likely neurtal), in the 1000 Genomes Project (freq. 0.0008), the ESP Project in the European population (freq. 0.002), in the genome aggregation consortium (freq 0.0008) an in the Exome Aggregation Consortium database (August 8th 2016) in 80 of 112864 chromosomes (freq. 0.0007) in the following populations: Latino in 18 of 11034 chromosomes (freq. 0.002), Other in 1 of 828 chromosomes (freq. 0.001), European (Non-Finnish) in 53 of 61588 chromosomes (freq. 0.0009), African in 6 of 8872 chromosomes (freq. 0.0007), and South Asian in 2 of 16114 chromosomes (freq. 0.0001), but was not seen in East Asian or Finish populations, increasing the likelihood this could be a low frequency benign variant. In addition we cannot be certain that data from control databases is specific to PKD1 and not from one of the six PKD1 pseudogenes. The p.Ala2749= variant is not expected to have clinical significance because it does not result in a change of amino acid and is not located in a known consensus splice site. In addition, in silico or computational prediction software programs (SpliceSiteFinder, MaxEntScan, NNSPLICE, GeneSplicer, HumanSpliceFinder) do not predict a difference in splicing. In summary, based on the above information, this variant meets our laboratory criteria to be classified as benign.

Genome Diagnostics Laboratory, University Medical Center Utrecht
Classification: Likely benign. Review status: no assertion criteria provided. Collection method: clinical testing. Allele origin: germline. Affected: yes. Study: VKGL Data-share Consensus. Not counted in ClinVar's aggregate classification.

Literature cited by the submitters: PubMed 17574468 (cited by Athena Diagnostics).

NM_001009944.3(PKD1):c.8247G>A (p.Ala2749=)

Gene: PKD1 (polycystin 1, transient receptor potential channel interacting; minus strand). Cytogenetic location: 16p13.3.
Variant type: single nucleotide variant.
Coding change: c.8247G>A on transcript NM_001009944.3 (MANE Select); coding-DNA position 8247, G replaced by A.
Protein change: p.Ala2749=; no amino-acid change (alanine 2749 retained).
Molecular consequence: synonymous variant.
Genome position (GRCh38, 1-based): chr16:2,103,810, C>T on the plus strand (G>A on the coding strand, the complement: PKD1 is on the minus strand). VCF-style: chr16-2103810-C-T. GRCh37 (hg19) VCF-style: chr16-2153811-C-T.
Other names: c.8247G>A, p.Ala2749= (NM_000296.4); c.8247G>A (NM_001009944.2).
Identifiers: ClinVar variation 440127 (VCV000440127.39), dbSNP rs143265128, ClinGen allele CA7830592.